The following is an entry in ClinVar:

NM_001204.7(BMPR2):c.994C>T (p.Arg332Ter)

Gene: BMPR2 (bone morphogenetic protein receptor type 2; plus strand). Cytogenetic location: 2q33.2.
Variant type: single nucleotide variant.
Coding change: c.994C>T on transcript NM_001204.7 (MANE Select); coding-DNA position 994, C replaced by T.
Protein change: p.Arg332Ter; replaces arginine 332 with a stop codon.
Molecular consequence: nonsense.
Genome position (GRCh38, 1-based): chr2:202,530,820, C>T. VCF-style: chr2-202530820-C-T. GRCh37 (hg19) VCF-style: chr2-203395543-C-T.
Other names: c.994C>T, p.Arg332Ter (LRG_712t1); short protein forms R332*.
Identifiers: ClinVar variation 8810 (VCV000008810.22), dbSNP rs137852751, ClinGen allele CA278095.

ClinVar aggregate classification (germline): Pathogenic. Review status: criteria provided, multiple submitters, no conflicts (2 of 4 stars). 7 submissions from 7 submitters: Pathogenic (4). 3 of the submissions do not count toward it. Last evaluated 2024-09-27.

Conditions:
Pulmonary arterial hypertension. Identifiers: Orphanet 182090, MedGen C2973725, MeSH D000081029, MONDO:0015924, HP:0002092.
Pulmonary hypertension, primary, 1 (PPH1). Also called: Pulmonary hypertension, familial primary, 1, with or without HHT. Identifiers: Orphanet 422, MedGen C4552070, MONDO:0024533, OMIM 178600.
BMPR2-related disorder. Also called: BMPR2-related disorders; BMPR2-related condition.
Primary pulmonary hypertension. Also called: Idiopathic pulmonary hypertension. Identifiers: MedGen C0152171.

Allele frequency attached by ClinVar (database versions not stated): gnomAD exomes below 0.00001.
gnomAD v4.1: 1 of 1,613,104 alleles (0.000062%); highest among the groups gnomAD compares: Admixed American, 0.0017%; no homozygotes.

Submissions (7):

Labcorp Genetics (formerly Invitae), Labcorp
Classification: Pathogenic for Primary pulmonary hypertension. Last evaluated: 2024-09-27. Review status: criteria provided, single submitter. Criteria: Invitae Variant Classification Sherloc (09022015). Collection method: clinical testing. Allele origin: germline.
Comment: This sequence change creates a premature translational stop signal (p.Arg332*) in the BMPR2 gene. It is expected to result in an absent or disrupted protein product. Loss-of-function variants in BMPR2 are known to be pathogenic (PMID: 16429395). This variant is not present in population databases (gnomAD no frequency). This premature translational stop signal has been observed in individuals with pulmonary arterial hypertension (PMID: 11015450, 30578397). ClinVar contains an entry for this variant (Variation ID: 8810). Algorithms developed to predict the effect of sequence changes on RNA splicing suggest that this variant may disrupt the consensus splice site. For these reasons, this variant has been classified as Pathogenic.

Blueprint Genetics
Classification: Pathogenic for BMPR2-related disorders. Last evaluated: 2024-05-23. Review status: criteria provided, single submitter. Criteria: ACMG Guidelines, 2015. Collection method: clinical testing. Allele origin: germline. Affected: yes. Observed: 2 variant alleles.

ARUP Laboratories, Molecular Genetics and Genomics, ARUP Laboratories
Classification: Pathogenic. Last evaluated: 2019-09-04. Review status: criteria provided, single submitter. Criteria: ARUP Molecular Germline Variant Investigation Process. Collection method: clinical testing. Allele origin: germline.
Comment: The BMPR2 c.994C>T; p.Arg332Ter variant (rs137852751) is reported in the literature in multiple individuals affected with pulmonary arterial hypertension (Elliott 2006, Ghinga 2016, Machado 2001, Sankelo 2005, Thomson 2000, Yang 2018). In two reports, this variant was also observed in several asymptomatic relatives of affected individuals, suggesting it may be incompletely penetrant (Machado 2001, Thomson 2000). The p.Arg332Ter variant is absent from general population databases (Genome Aggregation Database), indicating it is not a common polymorphism, and it is reported as pathogenic by several laboratories in ClinVar (Variation ID: 8810). This variant induces an early termination codon and is predicted to result in a truncated protein or mRNA subject to nonsense-mediated decay. Based on available information, the p.Arg332Ter variant is considered to be pathogenic. References Elliott CG et al. Relationship of BMPR2 mutations to vasoreactivity in pulmonary arterial hypertension. Circulation. 2006 May 30;113(21):2509-15. Ghigna MR et al. BMPR2 mutation status influences bronchial vascular changes in pulmonary arterial hypertension. Eur Respir J. 2016 Dec;48(6):1668-1681. Machado RD et al. BMPR2 haploinsufficiency as the inherited molecular mechanism for primary pulmonary hypertension. Am J Hum Genet. 2001 Jan;68(1):92-102. Sankelo M et al. BMPR2 mutations have short lifetime expectancy in primary pulmonary hypertension. Hum Mutat. 2005 Aug;26(2):119-24. Thomson JR et al. Sporadic primary pulmonary hypertension is associated with germline mutations of the gene encoding BMPR-II, a receptor member of the TGF-beta family. J Med Genet. 2000 Oct;37(10):741-5. Yang H et al. Genetic analyses in a cohort of 191 pulmonary arterial hypertension patients. Respir Res. 2018 May 9;19(1):87.

GeneDx
Classification: Pathogenic. Last evaluated: 2019-01-07. Review status: criteria provided, single submitter. Criteria: GeneDx Variant Classification (06012015). Collection method: clinical testing. Allele origin: germline. Affected: yes.
Comment: The R332X variant in the BMPR2 gene has been reported in multiple probands with either familial or sporadic pulmonary hypertension (Thomson et al., 2000; Sankelo et al., 2005; Rosenzweig et al., 2008; Portillo et al., 2010; Ghigna et al., 2016; Yang et al., 2018) and this variant segregated with disease in at least one family (Machado et al., 2001). Reduced penetrance has also been observed (Thomson et al., 2000; Machado et al., 2001). The R332X variant is predicted to cause loss of normal protein function either by protein truncation or nonsense-mediated mRNA decay. Other downstream nonsense variants in the BMPR2 gene have been reported in the Human Gene Mutation Database in association with PAH (Stenson et al., 2014), indicating that loss of function is an established disease mechanism. In addition, this variant is not observed in large population cohorts (Lek et al., 2016).

OMIM
Classification: Pathogenic for PULMONARY HYPERTENSION, PRIMARY, 1. Last evaluated: 2001-01-01. Review status: no assertion criteria provided. Collection method: literature only. Allele origin: germline. Not counted in ClinVar's aggregate classification.

NIHR Bioresource Rare Diseases, University of Cambridge
Classification: Pathogenic for Pulmonary arterial hypertension. Review status: no assertion criteria provided. Collection method: research. Allele origin: unknown. Affected: yes. Observed: 5 variant alleles. Not counted in ClinVar's aggregate classification.

Rare Disease Genomics Group, St George's University of London
Classification: Pathogenic for Primary pulmonary hypertension. Review status: no assertion criteria provided. Collection method: literature only. Allele origin: germline. Affected: yes. Not counted in ClinVar's aggregate classification.

Literature cited by the submitters: PubMed 16429395 (cited by Labcorp Genetics (formerly Invitae), Labcorp and Rare Disease Genomics Group, St George's University of London); PubMed 11015450 (cited by Labcorp Genetics (formerly Invitae), Labcorp and Rare Disease Genomics Group, St George's University of London); PubMed 30578397 (cited by Labcorp Genetics (formerly Invitae), Labcorp); PubMed 11115378 (cited by OMIM and Rare Disease Genomics Group, St George's University of London); PubMed 32581362 (cited by NIHR Bioresource Rare Diseases, University of Cambridge); PubMed 16717148 (cited by Rare Disease Genomics Group, St George's University of London); PubMed 15965979 (cited by Rare Disease Genomics Group, St George's University of London); PubMed 20534176 (cited by Rare Disease Genomics Group, St George's University of London); PubMed 20096498 (cited by Rare Disease Genomics Group, St George's University of London); PubMed 21737554 (cited by Rare Disease Genomics Group, St George's University of London); PubMed 26387786 (cited by Rare Disease Genomics Group, St George's University of London).